The following is an entry in ClinVar:

NM_001372.4(DNAH9):c.8223+3G>A

Gene: DNAH9 (dynein axonemal heavy chain 9; plus strand). Cytogenetic location: 17p12.
Variant type: single nucleotide variant.
Coding change: c.8223+3G>A on transcript NM_001372.4 (MANE Select); 3 bases into the intron after coding-DNA position 8223, G replaced by A.
Molecular consequence: intron variant.
Genome position (GRCh38, 1-based): chr17:11,793,667, G>A. VCF-style: chr17-11793667-G-A. GRCh37 (hg19) VCF-style: chr17-11696984-G-A.
Identifiers: ClinVar variation 4803283 (VCV004803283.1).

ClinVar aggregate classification (germline): Uncertain significance (1 of 4 stars; one submission).

gnomAD v4.1: 2 of 1,601,982 alleles (0.00012%); highest among the groups gnomAD compares: African/African-American, 0.0027%; no homozygotes.

Submission:

Labcorp Genetics (formerly Invitae), Labcorp
Classification: Uncertain significance. Last evaluated: 2025-09-28. Review status: criteria provided, single submitter. Criteria: Invitae Variant Classification Sherloc (09022015). Collection method: clinical testing. Allele origin: germline.
Comment: This sequence change falls in intron 42 of the DNAH9 gene. It does not directly change the encoded amino acid sequence of the DNAH9 protein. It affects a nucleotide within the consensus splice site. This variant is not present in population databases (gnomAD no frequency). This variant has not been reported in the literature in individuals affected with DNAH9-related conditions. Variants that disrupt the consensus splice site are a relatively common cause of aberrant splicing (PMID: 17576681, 9536098). Algorithms developed to predict the effect of sequence changes on RNA splicing suggest that this variant is not likely to affect RNA splicing. In summary, the available evidence is currently insufficient to determine the role of this variant in disease. Therefore, it has been classified as a Variant of Uncertain Significance.

Literature cited by the submitters: PubMed 17576681; PubMed 9536098.